The following is an entry in ClinVar:

NM_000018.4(ACADVL):c.1751+2T>C

Gene: ACADVL (acyl-CoA dehydrogenase very long chain; plus strand). Cytogenetic location: 17p13.1.
Variant type: single nucleotide variant.
Coding change: c.1751+2T>C on transcript NM_000018.4 (MANE Select); the canonical splice donor site of the intron after coding-DNA position 1751, T replaced by C.
Molecular consequence: splice donor variant.
Genome position (GRCh38, 1-based): chr17:7,224,716, T>C. VCF-style: chr17-7224716-T-C. GRCh37 (hg19) VCF-style: chr17-7128035-T-C.
Other names: c.1820+2T>C (NM_001270447.2); c.1523+2T>C (NM_001270448.2); c.1685+2T>C (NM_001033859.3).
Identifiers: ClinVar variation 640285 (VCV000640285.7), dbSNP rs1597539537, ClinGen allele CA397725799.

ClinVar aggregate classification (germline): Likely pathogenic (1 of 4 stars; one submission).

Conditions:
Very long chain acyl-CoA dehydrogenase deficiency (ACADVLD). Also called: VLCAD Deficiency; Very Long-Chain Acyl-Coenzyme A Dehydrogenase Deficiency. Identifiers: Orphanet 26793, MedGen C3887523, MONDO:0008723, OMIM 201475.

Submission:

Labcorp Genetics (formerly Invitae), Labcorp
Classification: Likely pathogenic for Very long chain acyl-CoA dehydrogenase deficiency. Last evaluated: 2018-07-24. Review status: criteria provided, single submitter. Criteria: Invitae Variant Classification Sherloc (09022015). Collection method: clinical testing. Allele origin: germline.
Comment: In summary, the currently available evidence indicates that the variant is pathogenic, but additional data are needed to prove that conclusively. Therefore, this variant has been classified as Likely Pathogenic. Donor and acceptor splice site variants typically lead to a loss of protein function (PMID: 16199547), and loss-of-function variants in ACADVL are known to be pathogenic (PMID: 9973285, 11590124). This variant has not been reported in the literature in individuals with ACADVL-related disease. This sequence change affects a donor splice site in intron 18 of the ACADVL gene. It is expected to disrupt RNA splicing and likely results in an absent or disrupted protein product. This variant is not present in population databases (ExAC no frequency).

Literature cited by the submitters: PubMed 16199547; PubMed 9973285; PubMed 11590124.